The following is an entry in ClinVar:

NM_006494.4(ERF):c.145C>T (p.Gln49Ter)

Gene: ERF (ETS2 repressor factor; minus strand). Cytogenetic location: 19q13.2.
Variant type: single nucleotide variant.
Coding change: c.145C>T on transcript NM_006494.4 (MANE Select); coding-DNA position 145, C replaced by T.
Protein change: p.Gln49Ter; replaces glutamine 49 with a stop codon.
Molecular consequence: nonsense. On other transcripts: 5 prime UTR variant (3).
Genome position (GRCh38, 1-based): chr19:42,250,443, G>A on the plus strand (C>T on the coding strand, the complement: ERF is on the minus strand). VCF-style: chr19-42250443-G-A. GRCh37 (hg19) VCF-style: chr19-42754595-G-A.
Other names: c.-81C>T (NM_001301035.2, NM_001308402.2, NM_001312656.2); short protein forms Q49*.
Identifiers: ClinVar variation 3391408 (VCV003391408.1).

ClinVar aggregate classification (germline): Likely pathogenic (1 of 4 stars; one submission).

Conditions:
Lambdoidal craniosynostosis. Identifiers: MedGen C1833340, HP:0004443.

Submission:

Neuberg Centre For Genomic Medicine, NCGM
Classification: Likely pathogenic for Craniosynostosis 4. Review status: criteria provided, single submitter. Criteria: ACMG Guidelines, 2015. Collection method: clinical testing. Allele origin: germline. Inheritance: Autosomal dominant inheritance. Affected: yes.
Comment: The observed stop gained variant c.145C>Tp.Gln49Ter in the ERF gene has not been reported previously as a pathogenic variant nor as a benign variant, to our knowledge. This variant is absent in the gnomAD Exomes. This variant is predicted to cause loss of normal protein function either through protein truncation or nonsense-mediated mRNA decay. Loss of function variants have been previously reported to be disease causing Chaudhry A, et al., 2015. Computational evidence MutationTaster - Disease causing predicts damaging effect on protein structure and function for this variant. For these reasons, this variant has been classified as Likely Pathogenic.